The following is an entry in ClinVar:

NM_000520.6(HEXA):c.1250_1251del (p.Ser417fs)

Gene: HEXA (hexosaminidase subunit alpha; minus strand). Cytogenetic location: 15q23.
Variant type: Microsatellite.
Coding change: c.1250_1251del on transcript NM_000520.6 (MANE Select); coding-DNA positions 1250 to 1251, 2 bases deleted (CT; older notation c.1250_1251delCT).
Protein change: p.Ser417fs; shifts the reading frame from serine 417.
Molecular consequence: frameshift variant.
Genome position (GRCh38, 1-based): chr15:72,346,606-72,346,607, AG deleted on the plus strand (CT on the coding strand, the reverse complement: HEXA is on the minus strand); deleting any 2 consecutive bases within chr15:72,346,606-72,346,612 gives the same sequence; the c. name uses the placement nearest the transcript's 3' end. VCF-style (leftmost placement, unchanged base first): chr15-72346605-CAG-C. GRCh37 (hg19) VCF-style: chr15-72638946-CAG-C.
Other names: c.1283_1284del, p.Ser428fs (NM_001318825.2); short protein forms S417fs, S428fs.
Identifiers: ClinVar variation 2002210 (VCV002002210.4), dbSNP rs2542514324, ClinGen allele CA2580613868.

ClinVar aggregate classification (germline): Pathogenic (1 of 4 stars; one submission).

Conditions:
Tay-Sachs disease (TSD). Also called: HEXA DEFICIENCY; GM2 gangliosidosis, type 1; Hexosaminidase alpha-subunit deficiency (variant B); Sphingolipidosis, Tay-Sachs; Hexosaminidase A Deficiency; HEXA Disorders. Identifiers: Orphanet 845, MedGen C0039373, MONDO:0010100, OMIM 272800.

Submission:

Labcorp Genetics (formerly Invitae), Labcorp
Classification: Pathogenic for Tay-Sachs disease. Last evaluated: 2022-06-03. Review status: criteria provided, single submitter. Criteria: Invitae Variant Classification Sherloc (09022015). Collection method: clinical testing. Allele origin: germline.
Comment: This sequence change creates a premature translational stop signal (p.Ser417Cysfs*13) in the HEXA gene. It is expected to result in an absent or disrupted protein product. Loss-of-function variants in HEXA are known to be pathogenic (PMID: 1833974, 8490625). This variant is not present in population databases (gnomAD no frequency). This variant has not been reported in the literature in individuals affected with HEXA-related conditions. For these reasons, this variant has been classified as Pathogenic.

Literature cited by the submitters: PubMed 1833974; PubMed 8490625.